The following is an entry in ClinVar:

ClinVar aggregate classification (germline): Pathogenic. Review status: criteria provided, multiple submitters, no conflicts (2 of 4 stars). 6 submissions from 6 submitters: Pathogenic (5). 1 of the submissions does not count toward it. Last evaluated 2024-05-20.

Conditions:
RB1-related disorder. Also called: RB1-related condition.
Hereditary cancer-predisposing syndrome. Also called: Hereditary Cancer Syndrome; Hereditary neoplastic syndrome; Neoplastic Syndromes, Hereditary; Tumor predisposition. Identifiers: Orphanet 140162, MedGen C0027672, MeSH D009386, MONDO:0015356.
Retinoblastoma (RB1). Also called: RETINOBLASTOMA, SOMATIC. Identifiers: Orphanet 790, MedGen C0035335, MeSH D012175, MONDO:0008380, OMIM 180200, HP:0009919. Disease mechanism: loss of function. Inheritance: Both sporadic and heritable forms are tested..

Submissions (6):

Genetic Diagnostic Laboratory, University of Pennsylvania School of Medicine
Classification: Pathogenic for Retinoblastoma. Last evaluated: 2024-05-20. Review status: criteria provided, single submitter. Criteria: ACMG Guidelines, 2015. Collection method: clinical testing. Allele origin: germline. Affected: yes. Observed: 1 variant allele.
Comment: Case and Pedigree Information: BILATERAL CASES:1, UNILATERAL CASES:0, TOTAL CASES:1, PEDIGREES:1. ACMG Codes Applied:PVS1, PM2

Labcorp Genetics (formerly Invitae), Labcorp
Classification: Pathogenic for Retinoblastoma. Last evaluated: 2023-08-27. Review status: criteria provided, single submitter. Criteria: Invitae Variant Classification Sherloc (09022015). Collection method: clinical testing. Allele origin: germline.
Comment: For these reasons, this variant has been classified as Pathogenic. ClinVar contains an entry for this variant (Variation ID: 590846). This variant is also known as c.371_372delTA. This premature translational stop signal has been observed in individual(s) with bilateral retinoblastoma and retinoblastoma (PMID: 8217609, 22219649, 25754945, 29568217). In at least one individual the variant was observed to be de novo. This variant is not present in population databases (gnomAD no frequency). This sequence change creates a premature translational stop signal (p.Ile124Argfs*6) in the RB1 gene. It is expected to result in an absent or disrupted protein product. Loss-of-function variants in RB1 are known to be pathogenic (PMID: 17096365).

GeneDx
Classification: Pathogenic. Last evaluated: 2022-11-16. Review status: criteria provided, single submitter. Criteria: GeneDx Variant Classification Process June 2021. Collection method: clinical testing. Allele origin: germline. Affected: yes.
Comment: Frameshift variant predicted to result in protein truncation or nonsense mediated decay in a gene for which loss of function is a known mechanism of disease; Not observed at significant frequency in large population cohorts (gnomAD); This variant is associated with the following publications: (PMID: 8217609, 29568217, 34190019, 28606269)

Ambry Genetics
Classification: Pathogenic for Hereditary cancer-predisposing syndrome. Last evaluated: 2019-08-28. Review status: criteria provided, single submitter. Criteria: Ambry Variant Classification Scheme 2023. Collection method: clinical testing. Allele origin: germline.
Comment: The c.371_372delTA pathogenic mutation, located in coding exon 3 of the RB1 gene, results from a deletion of two nucleotides at nucleotide positions 371 to 372, causing a translational frameshift with a predicted alternate stop codon (p.I124Rfs*6). This mutation has been detected in multiple individuals with unilateral and bilateral retinoblastoma (Onadim et al. Br. J. Cancer 1993 Nov;68(5):958-64; Abidi et al. Mol. Vis. 2011 Dec;17:3541-7; Sagi et al. Fam. Cancer 2015 Sep;14(3):471-80; Li et al. Int J Clin Exp Pathol 2016;9(2):2120-2126; Meng et al. Zhonghua Yan Ke Za Zhi 2017 Jun;53(6):455-459; Nguyen et al. Mol. Vis. 2018 Mar;24:231-238). In addition to the clinical data presented in the literature, this alteration is expected to result in loss of function by premature protein truncation or nonsense-mediated mRNA decay. As such, this alteration is interpreted as a disease-causing mutation.

St. Jude Molecular Pathology, St. Jude Children's Research Hospital
Classification: Pathogenic for Retinoblastoma. Last evaluated: 2017-03-07. Review status: criteria provided, single submitter. Criteria: ACMG Guidelines, 2015. Collection method: clinical testing. Allele origin: germline. Affected: yes.
Comment: This is a frameshift alteration in which a TA is deleted at coding nucleotides 371-372 and is predicted to change an Isoleucine to an Arginine at amino acid codon 124, shift the reading frame and result in a premature stop codon 6 amino acids downstream. Classification criteria: PVS1, PS3, PM2.

PreventionGenetics, part of Exact Sciences
Classification: Pathogenic for RB1-related condition. Last evaluated: 2024-04-09. Review status: no assertion criteria provided. Collection method: clinical testing. Allele origin: germline. Not counted in ClinVar's aggregate classification.
Comment: The RB1 c.371_372delTA variant is predicted to result in a frameshift and premature protein termination (p.Ile124Argfs*6). This variant was reported in multiple individuals with RB1 related disorders, and has been documented as a de novo finding (Nguyen et al. 2018. PubMed ID: 29568217; Fang et al. 2021. PubMed ID: 34190019). This variant has not been reported in a large population database, indicating this variant is rare and has been consistently interpreted as pathogenic in the ClinVar database by other laboratories. Frameshift variants in RB1 are expected to be pathogenic. This variant is interpreted as pathogenic.

Literature cited by the submitters: PubMed 8217609 (cited by Labcorp Genetics (formerly Invitae), Labcorp); PubMed 22219649 (cited by Labcorp Genetics (formerly Invitae), Labcorp); PubMed 25754945 (cited by Labcorp Genetics (formerly Invitae), Labcorp); PubMed 29568217 (cited by Labcorp Genetics (formerly Invitae), Labcorp); PubMed 17096365 (cited by Labcorp Genetics (formerly Invitae), Labcorp).

NM_000321.3(RB1):c.371_372del (p.Ile124fs)

Gene: RB1 (RB transcriptional corepressor 1; plus strand). Cytogenetic location: 13q14.2.
Variant type: Deletion.
Coding change: c.371_372del on transcript NM_000321.3 (MANE Select); coding-DNA positions 371 to 372, 2 bases deleted (TA; older notation c.371_372delTA).
Protein change: p.Ile124fs; shifts the reading frame from isoleucine 124.
Molecular consequence: frameshift variant.
Genome position (GRCh38, 1-based): chr13:48,342,705-48,342,706, TA deleted; deleting any 2 consecutive bases within chr13:48,342,704-48,342,706 gives the same sequence; the c. name uses the placement nearest the transcript's 3' end. VCF-style (leftmost placement, unchanged base first): chr13-48342703-CAT-C. GRCh37 (hg19) VCF-style: chr13-48916839-CAT-C.
Other names: c.371_372delTA (NM_000321.2); c.371_372del (NM_000321.2); short protein forms I124fs.
Identifiers: ClinVar variation 590846 (VCV000590846.14), dbSNP rs1566186125, ClinGen allele CA645578601.